The following is an entry in ClinVar:

NM_000123.4(ERCC5):c.1900A>T (p.Ile634Phe)

Genes: BIVM-ERCC5 (BIVM-ERCC5 readthrough; plus strand), ERCC5 (ERCC excision repair 5, endonuclease; plus strand). Cytogenetic location: 13q33.1.
Variant type: single nucleotide variant.
Coding change: c.1900A>T on transcript NM_000123.4 (MANE Select); coding-DNA position 1900, A replaced by T.
Protein change: p.Ile634Phe; replaces isoleucine 634 with phenylalanine.
Molecular consequence: missense variant.
Genome position (GRCh38, 1-based): chr13:102,863,049, A>T. VCF-style: chr13-102863049-A-T. GRCh37 (hg19) VCF-style: chr13-103515399-A-T.
Other names: c.3262A>T, p.Ile1088Phe (NM_001204425.2); short protein forms I1088F, I634F.
Identifiers: ClinVar variation 1806666 (VCV001806666.2), dbSNP rs760908197, ClinGen allele CA388574675.

ClinVar aggregate classification (germline): Uncertain significance (1 of 4 stars; one submission).

gnomAD v4.1: 2 of 1,614,170 alleles (0.00012%); highest among the groups gnomAD compares: Non-Finnish European, 0.00017%; no homozygotes.

Submission:

GeneDx
Classification: Uncertain significance. Last evaluated: 2025-05-17. Review status: criteria provided, single submitter. Criteria: GeneDx Variant Classification Process June 2021. Collection method: clinical testing. Allele origin: germline. Affected: yes.
Comment: Not observed at significant frequency in large population cohorts (gnomAD); In silico analysis suggests that this missense variant does not alter protein structure/function; Has not been previously published as pathogenic or benign to our knowledge